The following is an entry in ClinVar:

ClinVar aggregate classification (germline): Uncertain significance (1 of 4 stars; one submission).

Conditions:
DICER1-related tumor predisposition. Also called: DICER1-related pleuropulmonary blastoma cancer predisposition syndrome; DICER1 syndrome. Identifiers: Orphanet 284343, MedGen C3839822, MONDO:0100216.

Submission:

Labcorp Genetics (formerly Invitae), Labcorp
Classification: Uncertain significance for DICER1-related tumor predisposition. Last evaluated: 2020-07-09. Review status: criteria provided, single submitter. Criteria: Invitae Variant Classification Sherloc (09022015). Collection method: clinical testing. Allele origin: germline.
Comment: This sequence change replaces glutamic acid with aspartic acid at codon 292 of the DICER1 protein (p.Glu292Asp). The glutamic acid residue is moderately conserved and there is a small physicochemical difference between glutamic acid and aspartic acid. This variant is not present in population databases (ExAC no frequency). This variant has not been reported in the literature in individuals with DICER1-related conditions. Algorithms developed to predict the effect of missense changes on protein structure and function (SIFT, PolyPhen-2, Align-GVGD) all suggest that this variant is likely to be tolerated, but these predictions have not been confirmed by published functional studies and their clinical significance is uncertain. In summary, the available evidence is currently insufficient to determine the role of this variant in disease. Therefore, it has been classified as a Variant of Uncertain Significance.

NM_177438.3(DICER1):c.876A>C (p.Glu292Asp)

Gene: DICER1 (dicer 1, ribonuclease III; minus strand). Cytogenetic location: 14q32.13.
Variant type: single nucleotide variant.
Coding change: c.876A>C on transcript NM_177438.3 (MANE Select); coding-DNA position 876, A replaced by C.
Protein change: p.Glu292Asp; replaces glutamic acid 292 with aspartic acid.
Molecular consequence: missense variant.
Genome position (GRCh38, 1-based): chr14:95,126,607, T>G on the plus strand (A>C on the coding strand, the complement: DICER1 is on the minus strand). VCF-style: chr14-95126607-T-G. GRCh37 (hg19) VCF-style: chr14-95592944-T-G.
Other names: c.876A>C, p.Glu292Asp (NM_001195573.1, NM_001271282.3, NM_001291628.2 and 1 more transcripts); short protein forms E292D.
Identifiers: ClinVar variation 1053097 (VCV001053097.10), dbSNP rs1595447599, ClinGen allele CA390887475.